The following is an entry in ClinVar:

NM_198428.3(BBS9):c.1870_1872del (p.Phe624del)

Gene: BBS9 (Bardet-Biedl syndrome 9; plus strand). Cytogenetic location: 7p14.3.
Variant type: Deletion.
Coding change: c.1870_1872del on transcript NM_198428.3 (MANE Select); coding-DNA positions 1870 to 1872, 3 bases deleted (TTT; older notation c.1870_1872delTTT).
Protein change: p.Phe624del; deletes phenylalanine 624.
Molecular consequence: inframe deletion. On other transcripts: non-coding transcript variant (3).
Genome position (GRCh38, 1-based): chr7:33,383,746-33,383,748, TTT deleted; deleting any 3 consecutive bases within chr7:33,383,745-33,383,748 gives the same sequence; the c. name uses the placement nearest the transcript's 3' end. VCF-style (leftmost placement, unchanged base first): chr7-33383744-ATTT-A. GRCh37 (hg19) VCF-style: chr7-33423356-ATTT-A.
Other names: c.1765_1767del, p.Phe589del (NM_001033604.2); c.1855_1857del, p.Phe619del (NM_001033605.2); c.1870_1872del, p.Phe624del (NM_001348036.1, NM_001348041.4, NM_001348043.3 and 1 more transcripts); c.1504_1506del, p.Phe502del (NM_001348037.3, NM_001348045.3, NM_001348046.3); c.1597_1599del, p.Phe533del (NM_001348038.3); c.1492_1494del, p.Phe498del (NM_001348039.3); c.1750_1752del, p.Phe584del (NM_001348040.3, NM_014451.4); c.1735_1737del, p.Phe579del (NM_001348042.3); and 1 more; short protein forms F498del, F502del, F579del, F533del, F467del, F584del, F589del, F619del.
Identifiers: ClinVar variation 873509 (VCV000873509.4), dbSNP rs1302171532, ClinGen allele CA1139660024.

ClinVar aggregate classification (germline): Uncertain significance (1 of 4 stars; one submission).

Conditions:
Bardet-Biedl syndrome 9 (BBS9). Identifiers: Orphanet 110, MedGen C1859567, MONDO:0014437, OMIM 615986.

Submission:

Illumina Laboratory Services, Illumina
Classification: Uncertain significance for Bardet-Biedl syndrome 9. Last evaluated: 2020-01-22. Review status: criteria provided, single submitter. Criteria: ICSLVariantClassificationCriteria RUGD 01 April 2020. Collection method: clinical testing. Allele origin: unknown.
Comment: The BBS9 c.1870_1872delTTT (p.Phe624del) variant is an inframe deletion variant. A literature search was performed for the gene, cDNA change, and amino acid change. No publications were found based on this search. This variant is not reported in the Genome Aggregation Database in a region of good sequencing coverage, so the variant is presumed to be rare. Based on the limited evidence, the p.Phe624del variant is classified as a variant of unknown significance for Bardet-Biedl syndrome.